The following is an entry in ClinVar:

NM_001830.4(CLCN4):c.1182C>T (p.Thr394=)

Gene: CLCN4 (Cl-/H+ antiporter 4; plus strand). Cytogenetic location: Xp22.2.
Variant type: single nucleotide variant.
Coding change: c.1182C>T on transcript NM_001830.4 (MANE Select); coding-DNA position 1182, C replaced by T.
Protein change: p.Thr394=; no amino-acid change (threonine 394 retained).
Molecular consequence: synonymous variant.
Genome position (GRCh38, 1-based): chrX:10,208,383, C>T. VCF-style: chrX-10208383-C-T. GRCh37 (hg19) VCF-style: chrX-10176423-C-T.
Other names: c.900C>T, p.Thr300= (NM_001256944.2).
Identifiers: ClinVar variation 4847110 (VCV004847110.1).

ClinVar aggregate classification (germline): Likely benign (1 of 4 stars; one submission).

Submission:

Women's Health and Genetics/Laboratory Corporation of America, LabCorp
Classification: Likely benign. Last evaluated: 2026-03-18. Review status: criteria provided, single submitter. Criteria: LabCorp Variant Classification Summary - May 2015. Collection method: clinical testing. Allele origin: germline.
Comment: Variant summary: CLCN4 c.1182C>T results in a synonymous change. Consensus agreement among computation tools predict no significant impact on normal splicing. However, these predictions have yet to be confirmed by functional studies. The variant was absent in 183461 control chromosomes. The available data on variant occurrences in the general population are insufficient to allow any conclusion about variant significance. To our knowledge, no occurrence of c.1182C>T in individuals affected with CLCN4-related conditions and no experimental evidence demonstrating its impact on protein function have been reported. No submitters have cited clinical-significance assessments for this variant to ClinVar. Based on the evidence outlined above, the variant was classified as likely benign.